The following is an entry in ClinVar:

NM_000492.4(CFTR):c.1205A>C (p.Glu402Ala)

Gene: CFTR (CF transmembrane conductance regulator; plus strand). Cytogenetic location: 7q31.2.
Variant type: single nucleotide variant.
Coding change: c.1205A>C on transcript NM_000492.4 (MANE Select); coding-DNA position 1205, A replaced by C.
Protein change: p.Glu402Ala; replaces glutamic acid 402 with alanine.
Molecular consequence: missense variant.
Genome position (GRCh38, 1-based): chr7:117,542,104, A>C. VCF-style: chr7-117542104-A-C. GRCh37 (hg19) VCF-style: chr7-117182158-A-C.
Other names: short protein forms E402A.
Identifiers: ClinVar variation 3657591 (VCV003657591.2).

ClinVar aggregate classification (germline): Uncertain significance (1 of 4 stars; one submission).

Conditions:
Cystic fibrosis (CF). Also called: MUCOVISCIDOSIS. Identifiers: Orphanet 586, MedGen C0010674, MONDO:0009061, OMIM 219700. Disease mechanism: loss of function.

Submission:

Labcorp Genetics (formerly Invitae), Labcorp
Classification: Uncertain significance for Cystic fibrosis. Last evaluated: 2024-06-23. Review status: criteria provided, single submitter. Criteria: Invitae Variant Classification Sherloc (09022015). Collection method: clinical testing. Allele origin: germline.
Comment: This sequence change replaces glutamic acid, which is acidic and polar, with alanine, which is neutral and non-polar, at codon 402 of the CFTR protein (p.Glu402Ala). This variant is not present in population databases (gnomAD no frequency). This variant has not been reported in the literature in individuals affected with CFTR-related conditions. Advanced modeling of protein sequence and biophysical properties (such as structural, functional, and spatial information, amino acid conservation, physicochemical variation, residue mobility, and thermodynamic stability) performed at Invitae indicates that this missense variant is not expected to disrupt CFTR protein function with a negative predictive value of 80%. In summary, the available evidence is currently insufficient to determine the role of this variant in disease. Therefore, it has been classified as a Variant of Uncertain Significance.